The following is an entry in ClinVar:

NR_104088.1(RNU6-8):n.98C>T

Gene: RNU6-8 (RNA, U6 small nuclear 8; minus strand). Cytogenetic location: 14q12.
Variant type: single nucleotide variant.
Molecular consequence: non-coding transcript variant (on NR_104088.1).
Genome position: GRCh38 VCF-style: chr14-32203172-G-A. GRCh37 (hg19) VCF-style: chr14-32672378-G-A.
Identifiers: ClinVar variation 3770172 (VCV003770172.1).
Genomic context (GRCh38, chr14:32,203,172, plus strand): 5'-TGTTTCCTTAGTACTAATTAGCAGATACTGAAATGATCTTGACAGACTGCGCAAAATATG[G>A]AACGCTTCACGAATTTGCGTGTCATCCTTGCGCAGGGGCCATGCTAATCTTCTCTGTATC-3'

ClinVar aggregate classification (germline): Uncertain significance (1 of 4 stars; one submission).

Submission:

Institute for Human Genetics, University Hospital Essen
Classification: Uncertain significance. Last evaluated: 2005-03-05. Review status: criteria provided, single submitter. Criteria: ACMG Guidelines, 2015. Collection method: clinical testing. Allele origin: de novo. Affected: yes.
Comment: PM2_supp, PS2